The following is an entry in ClinVar:

NM_002241.5(KCNJ10):c.229G>C (p.Gly77Arg)

Gene: KCNJ10 (potassium inwardly rectifying channel subfamily J member 10; minus strand). Cytogenetic location: 1q23.2.
Variant type: single nucleotide variant.
Coding change: c.229G>C on transcript NM_002241.5 (MANE Select); coding-DNA position 229, G replaced by C.
Protein change: p.Gly77Arg; replaces glycine 77 with arginine.
Molecular consequence: missense variant.
Genome position (GRCh38, 1-based): chr1:160,042,304, C>G on the plus strand (G>C on the coding strand, the complement: KCNJ10 is on the minus strand). VCF-style: chr1-160042304-C-G. GRCh37 (hg19) VCF-style: chr1-160012094-C-G.
Other names: short protein forms G77R.
Identifiers: ClinVar variation 7468 (VCV000007468.8), dbSNP rs137853072, ClinGen allele CA118814.

ClinVar aggregate classification (germline): Pathogenic. Review status: criteria provided, single submitter (1 of 4 stars). 2 submissions from 2 submitters: Pathogenic (1). 1 of the submissions does not count toward it. Last evaluated 2024-04-25.

Conditions:
EAST syndrome (SESAMES). Also called: SEIZURES, SENSORINEURAL DEAFNESS, ATAXIA, IMPAIRED INTELLECTUAL DEVELOPMENT, AND ELECTROLYTE IMBALANCE. Identifiers: Orphanet 199343, MedGen C2748572, MONDO:0013005, OMIM 612780.

Submissions (2):

Labcorp Genetics (formerly Invitae), Labcorp
Classification: Pathogenic for EAST syndrome. Last evaluated: 2024-04-25. Review status: criteria provided, single submitter. Criteria: Invitae Variant Classification Sherloc (09022015). Collection method: clinical testing. Allele origin: germline.
Comment: This sequence change replaces glycine, which is neutral and non-polar, with arginine, which is basic and polar, at codon 77 of the KCNJ10 protein (p.Gly77Arg). This variant is not present in population databases (gnomAD no frequency). This missense change has been observed in individuals with clinical features of SeSAME syndrome (PMID: 19420365; Invitae). ClinVar contains an entry for this variant (Variation ID: 7468). Advanced modeling of protein sequence and biophysical properties (such as structural, functional, and spatial information, amino acid conservation, physicochemical variation, residue mobility, and thermodynamic stability) performed at Invitae indicates that this missense variant is not expected to disrupt KCNJ10 protein function with a negative predictive value of 80%. Experimental studies have shown that this missense change affects KCNJ10 function (PMID: 19420365, 20807765, 21088294). This variant disrupts the p.Gly77 amino acid residue in KCNJ10. Other variant(s) that disrupt this residue have been observed in individuals with KCNJ10-related conditions (PMID: 31069529), which suggests that this may be a clinically significant amino acid residue. For these reasons, this variant has been classified as Pathogenic.

OMIM
Classification: Pathogenic for SEIZURES, SENSORINEURAL DEAFNESS, ATAXIA, IMPAIRED INTELLECTUAL DEVELOPMENT, AND ELECTROLYTE IMBALANCE. Last evaluated: 2010-11-12. Review status: no assertion criteria provided. Collection method: literature only. Allele origin: germline. Not counted in ClinVar's aggregate classification.

Literature cited by the submitters: PubMed 19420365 (cited by Labcorp Genetics (formerly Invitae), Labcorp and OMIM); PubMed 20807765 (cited by Labcorp Genetics (formerly Invitae), Labcorp and OMIM); PubMed 21088294 (cited by Labcorp Genetics (formerly Invitae), Labcorp); PubMed 31069529 (cited by Labcorp Genetics (formerly Invitae), Labcorp); PubMed 20651251 (cited by OMIM).